The following is an entry in ClinVar:

NM_001844.5(COL2A1):c.3075dup (p.Gly1026fs)

Gene: COL2A1 (collagen type II alpha 1 chain; minus strand). Cytogenetic location: 12q13.11.
Variant type: Duplication.
Coding change: c.3075dup on transcript NM_001844.5 (MANE Select); coding-DNA position 3075, one base duplicated (T; older notation c.3075dupT).
Protein change: p.Gly1026fs; shifts the reading frame from glycine 1026.
Molecular consequence: frameshift variant.
Genome position (GRCh38, 1-based): chr12:47,978,046, A duplicated on the plus strand (T on the coding strand, the reverse complement: COL2A1 is on the minus strand). VCF-style (leftmost placement, unchanged base first): chr12-47978045-C-CA. GRCh37 (hg19) VCF-style: chr12-48371828-C-CA.
Other names: c.2868dup, p.Gly957fs (NM_033150.3); short protein forms G1026fs, G957fs.
Identifiers: ClinVar variation 1426144 (VCV001426144.6), dbSNP rs2136524986, ClinGen allele CA2573148626.
Genomic context (GRCh38, chr12:47,978,045, plus strand): 5'-CACCCCAGGGGGTCTCACTGCTCACCTCTCGTCCAGGTTCACCTGCAGGACCCGTCAGGC[C>CA]AGGAGGACCCACGGGGCCAGGAGGACCTCTGTCTCCAGATGCTCCAGGAGCACCCTGCTT-3'

ClinVar aggregate classification (germline): Pathogenic (1 of 4 stars; one submission).

Submission:

Labcorp Genetics (formerly Invitae), Labcorp
Classification: Pathogenic. Last evaluated: 2022-07-19. Review status: criteria provided, single submitter. Criteria: Invitae Variant Classification Sherloc (09022015). Collection method: clinical testing. Allele origin: germline.
Comment: For these reasons, this variant has been classified as Pathogenic. ClinVar contains an entry for this variant (Variation ID: 1426144). This variant has not been reported in the literature in individuals affected with COL2A1-related conditions. This variant is not present in population databases (gnomAD no frequency). This sequence change creates a premature translational stop signal (p.Gly1026Trpfs*8) in the COL2A1 gene. It is expected to result in an absent or disrupted protein product. Loss-of-function variants in COL2A1 are known to be pathogenic (PMID: 20179744).

Literature cited by the submitters: PubMed 20179744.